The following is an entry in ClinVar:

ClinVar aggregate classification (germline): Uncertain significance (1 of 4 stars; one submission).

gnomAD v4.1: 1 of 1,527,272 alleles (0.000065%); highest among the groups gnomAD compares: South Asian, 0.0013%; no homozygotes.

Submission:

Ambry Genetics
Classification: Uncertain significance. Last evaluated: 2022-07-08. Review status: criteria provided, single submitter. Criteria: Ambry Variant Classification Scheme 2023. Collection method: clinical testing. Allele origin: germline.
Comment: The p.S559L variant (also known as c.1676C>T), located in coding exon 17 of the RASA2 gene, results from a C to T substitution at nucleotide position 1676. The serine at codon 559 is replaced by leucine, an amino acid with dissimilar properties. This amino acid position is conserved. In addition, the in silico prediction for this alteration is inconclusive. Since supporting evidence is limited at this time, the clinical significance of this alteration remains unclear.

NM_006506.5(RASA2):c.1676C>T (p.Ser559Leu)

Gene: RASA2 (RAS p21 protein activator 2; plus strand). Cytogenetic location: 3q23.
Variant type: single nucleotide variant.
Coding change: c.1676C>T on transcript NM_006506.5 (MANE Select); coding-DNA position 1676, C replaced by T.
Protein change: p.Ser559Leu; replaces serine 559 with leucine.
Molecular consequence: missense variant.
Genome position (GRCh38, 1-based): chr3:141,581,101, C>T. VCF-style: chr3-141581101-C-T. GRCh37 (hg19) VCF-style: chr3-141299943-C-T.
Other names: c.1676C>T, p.Ser559Leu (NM_001303245.3, NM_001303246.3); short protein forms S559L.
Identifiers: ClinVar variation 1777796 (VCV001777796.2), dbSNP rs2478758019, ClinGen allele CA354780045.